The following is an entry in ClinVar:

ClinVar aggregate classification (germline): Uncertain significance. Review status: criteria provided, multiple submitters, no conflicts (2 of 4 stars). 2 submissions from 2 submitters: Uncertain significance (2). Last evaluated 2022-10-26.

Conditions:
Cardiovascular phenotype. Identifiers: MedGen CN230736.

Allele frequency attached by ClinVar (database versions not stated): TOPMed below 0.00001; gnomAD 0.00001; gnomAD exomes 0.00001.
gnomAD v4.1: 12 of 1,613,828 alleles (0.00074%); highest among the groups gnomAD compares: South Asian, 0.0011%; no homozygotes.

Submissions (2):

Ambry Genetics
Classification: Uncertain significance for Cardiovascular phenotype. Last evaluated: 2022-10-26. Review status: criteria provided, single submitter. Criteria: Ambry Variant Classification Scheme 2023. Collection method: clinical testing. Allele origin: germline.

GeneDx
Classification: Uncertain significance. Last evaluated: 2019-05-28. Review status: criteria provided, single submitter. Criteria: GeneDx Variant Classification Process June 2021. Collection method: clinical testing. Allele origin: germline. Affected: yes.
Comment: Has not been previously published as pathogenic or benign to our knowledge; Not observed at a significant frequency in large population cohorts (Lek et al., 2016); In silico analysis, which includes protein predictors and evolutionary conservation, supports a deleterious effect

NM_001365276.2(TNXB):c.5998C>T (p.Pro2000Ser)

Gene: TNXB (tenascin XB; minus strand). Cytogenetic location: 6p21.33.
Variant type: single nucleotide variant.
Coding change: c.5998C>T on transcript NM_001365276.2 (MANE Select); coding-DNA position 5998, C replaced by T.
Protein change: p.Pro2000Ser; replaces proline 2000 with serine.
Molecular consequence: missense variant.
Genome position (GRCh38, 1-based): chr6:32,068,612, G>A on the plus strand (C>T on the coding strand, the complement: TNXB is on the minus strand). VCF-style: chr6-32068612-G-A. GRCh37 (hg19) VCF-style: chr6-32036389-G-A.
Other names: c.5998C>T, p.Pro2000Ser (NM_019105.8); short protein forms P2000S.
Identifiers: ClinVar variation 1304630 (VCV001304630.4), dbSNP rs776303206, ClinGen allele CA3734553.